The following is an entry in ClinVar:

NM_001903.5(CTNNA1):c.520G>C (p.Gly174Arg)

Gene: CTNNA1 (catenin alpha 1; plus strand). Cytogenetic location: 5q31.2.
Variant type: single nucleotide variant.
Coding change: c.520G>C on transcript NM_001903.5 (MANE Select); coding-DNA position 520, G replaced by C.
Protein change: p.Gly174Arg; replaces glycine 174 with arginine.
Molecular consequence: missense variant.
Genome position (GRCh38, 1-based): chr5:138,812,234, G>C. VCF-style: chr5-138812234-G-C. GRCh37 (hg19) VCF-style: chr5-138147923-G-C.
Other names: c.520G>C, p.Gly174Arg (NM_001290307.3, NM_001323982.2, NM_001323983.1 and 3 more transcripts); c.211G>C, p.Gly71Arg (NM_001290309.3); c.151G>C, p.Gly51Arg (NM_001290310.3); c.520G>C (NM_001903.3); short protein forms G174R, G71R, G51R.
Identifiers: ClinVar variation 825550 (VCV000825550.13), dbSNP rs761836161, ClinGen allele CA361125237.

ClinVar aggregate classification (germline): Uncertain significance. Review status: criteria provided, multiple submitters, no conflicts (2 of 4 stars). 3 submissions from 3 submitters: Uncertain significance (3). Last evaluated 2026-01-26.

Conditions:
Hereditary cancer-predisposing syndrome. Also called: Hereditary Cancer Syndrome; Neoplastic Syndromes, Hereditary; Hereditary neoplastic syndrome; Tumor predisposition. Identifiers: Orphanet 140162, MedGen C0027672, MeSH D009386, MONDO:0015356.

Allele frequency attached by ClinVar (database versions not stated): TOPMed below 0.00001.
gnomAD v4.1: 3 of 1,613,764 alleles (0.00019%); highest among the groups gnomAD compares: Non-Finnish European, 0.00025%; no homozygotes.

Submissions (3):

Labcorp Genetics (formerly Invitae), Labcorp
Classification: Uncertain significance. Last evaluated: 2026-01-26. Review status: criteria provided, single submitter. Criteria: Invitae Variant Classification Sherloc (09022015). Collection method: clinical testing. Allele origin: germline.
Comment: This sequence change replaces glycine, which is neutral and non-polar, with arginine, which is basic and polar, at codon 174 of the CTNNA1 protein (p.Gly174Arg). This variant is not present in population databases (gnomAD no frequency). This missense change has been observed in individual(s) with clinical features of inherited retinal dystrophy (internal data). ClinVar contains an entry for this variant (Variation ID: 825550). Invitae Evidence Modeling of protein sequence and biophysical properties (such as structural, functional, and spatial information, amino acid conservation, physicochemical variation, residue mobility, and thermodynamic stability) indicates that this missense variant is not expected to disrupt CTNNA1 protein function with a negative predictive value of 80%. In summary, the available evidence is currently insufficient to determine the role of this variant in disease. Therefore, it has been classified as a Variant of Uncertain Significance.

GeneDx
Classification: Uncertain significance. Last evaluated: 2025-04-16. Review status: criteria provided, single submitter. Criteria: GeneDx Variant Classification Process June 2021. Collection method: clinical testing. Allele origin: germline.
Comment: Not observed at significant frequency in large population cohorts (gnomAD); In silico analysis indicates that this missense variant does not alter protein structure/function; Has not been previously published as pathogenic or benign to our knowledge

Ambry Genetics
Classification: Uncertain significance for Hereditary cancer-predisposing syndrome. Last evaluated: 2023-07-10. Review status: criteria provided, single submitter. Criteria: Ambry Variant Classification Scheme 2023. Collection method: clinical testing. Allele origin: germline.
Comment: The p.G174R variant (also known as c.520G>C), located in coding exon 4 of the CTNNA1 gene, results from a G to C substitution at nucleotide position 520. The glycine at codon 174 is replaced by arginine, an amino acid with dissimilar properties. This amino acid position is well conserved in available vertebrate species. In addition, the in silico prediction for this alteration is inconclusive. Since supporting evidence is limited at this time, the clinical significance of this alteration remains unclear.